The following is an entry in ClinVar:

ClinVar aggregate classification (germline): Likely pathogenic (1 of 4 stars; one submission).

Conditions:
Aland island eye disease (AIED). Also called: Forsius Eriksson type ocular albinism. Identifiers: Orphanet 178333, MedGen C0268505, MONDO:0010371, OMIM 300600.

Submission:

Institute of Immunology and Genetics Kaiserslautern
Classification: Likely pathogenic for Aland island eye disease. Last evaluated: 2025-10-07. Review status: criteria provided, single submitter. Criteria: ACMG Guidelines, 2015. Collection method: clinical testing. Allele origin: germline. Affected: yes.
Comment: ACMG Criteria: PVS1, PM2; Variant was found in heterozygous state.

NM_001256789.3(CACNA1F):c.1282C>T (p.Gln428Ter)

Gene: CACNA1F (calcium voltage-gated channel subunit alpha1 F; minus strand). Cytogenetic location: Xp11.23.
Variant type: single nucleotide variant.
Coding change: c.1282C>T on transcript NM_001256789.3 (MANE Select); coding-DNA position 1282, C replaced by T.
Protein change: p.Gln428Ter; replaces glutamine 428 with a stop codon.
Molecular consequence: nonsense.
Genome position (GRCh38, 1-based): chrX:49,226,697, G>A on the plus strand (C>T on the coding strand, the complement: CACNA1F is on the minus strand). VCF-style: chrX-49226697-G-A. GRCh37 (hg19) VCF-style: chrX-49083159-G-A.
Other names: c.1120C>T, p.Gln374Ter (NM_001256790.3); c.1315C>T, p.Gln439Ter (NM_005183.4); short protein forms Q374*, Q428*, Q439*.
Identifiers: ClinVar variation 4851422 (VCV004851422.1).